The following is an entry in ClinVar:

NM_015338.6(ASXL1):c.2862C>A (p.Asp954Glu)

Gene: ASXL1 (ASXL transcriptional regulator 1; plus strand). Cytogenetic location: 20q11.21.
Variant type: single nucleotide variant.
Coding change: c.2862C>A on transcript NM_015338.6 (MANE Select); coding-DNA position 2862, C replaced by A.
Protein change: p.Asp954Glu; replaces aspartic acid 954 with glutamic acid.
Molecular consequence: missense variant.
Genome position (GRCh38, 1-based): chr20:32,435,574, C>A. VCF-style: chr20-32435574-C-A. GRCh37 (hg19) VCF-style: chr20-31023377-C-A.
Other names: c.2679C>A, p.Asp893Glu (NM_001363734.1); short protein forms D954E, D893E.
Identifiers: ClinVar variation 930236 (VCV000930236.5), dbSNP rs752471895, ClinGen allele CA408561501.

ClinVar aggregate classification (germline): Uncertain significance. Review status: criteria provided, multiple submitters, no conflicts (2 of 4 stars). 2 submissions from 2 submitters: Uncertain significance (2). Last evaluated 2024-06-21.

Conditions:
Myelodysplastic syndrome (MDS). Also called: Myelodysplastic syndrome, somatic; Myelodysplastic syndromes; MYELODYSPLASTIC SYNDROME, SUSCEPTIBILITY TO. Identifiers: Orphanet 52688, MedGen C3463824, MeSH D009190, MONDO:0018881, OMIM 614286.

Allele frequency attached by ClinVar (database versions not stated): TOPMed below 0.00001; gnomAD 0.00001.
gnomAD v4.1: 3 of 1,613,954 alleles (0.00019%); highest among the groups gnomAD compares: Non-Finnish European, 0.00017%; no homozygotes.

Submissions (2):

Labcorp Genetics (formerly Invitae), Labcorp
Classification: Uncertain significance. Last evaluated: 2024-06-21. Review status: criteria provided, single submitter. Criteria: Invitae Variant Classification Sherloc (09022015). Collection method: clinical testing. Allele origin: germline.
Comment: This sequence change replaces aspartic acid, which is acidic and polar, with glutamic acid, which is acidic and polar, at codon 954 of the ASXL1 protein (p.Asp954Glu). This variant is not present in population databases (gnomAD no frequency). This variant has not been reported in the literature in individuals affected with ASXL1-related conditions. ClinVar contains an entry for this variant (Variation ID: 930236). Algorithms developed to predict the effect of missense changes on protein structure and function output the following: SIFT: "Not Available"; PolyPhen-2: "Benign"; Align-GVGD: "Not Available". The glutamic acid amino acid residue is found in multiple mammalian species, which suggests that this missense change does not adversely affect protein function. In summary, the available evidence is currently insufficient to determine the role of this variant in disease. Therefore, it has been classified as a Variant of Uncertain Significance.

Centre for Mendelian Genomics, University Medical Centre Ljubljana
Classification: Uncertain significance for Myelodysplastic syndrome. Last evaluated: 2018-09-27. Review status: criteria provided, single submitter. Criteria: ACMG Guidelines, 2015. Collection method: clinical testing. Allele origin: unknown. Affected: yes.
Comment: This variant was classified as: Uncertain significance. The available evidence on this variant's pathogenicity is insufficient or conflicting. The following ACMG criteria were applied in classifying this variant: PM2.